The following is an entry in ClinVar:

NM_002439.5(MSH3):c.2469A>G (p.Lys823=)

Gene: MSH3 (mutS homolog 3; plus strand). Cytogenetic location: 5q14.1.
Variant type: single nucleotide variant.
Coding change: c.2469A>G on transcript NM_002439.5 (MANE Select); coding-DNA position 2469, A replaced by G.
Protein change: p.Lys823=; no amino-acid change (lysine 823 retained).
Molecular consequence: synonymous variant.
Genome position (GRCh38, 1-based): chr5:80,787,598, A>G. VCF-style: chr5-80787598-A-G. GRCh37 (hg19) VCF-style: chr5-80083417-A-G.
Identifiers: ClinVar variation 1692670 (VCV001692670.4), dbSNP rs2112020238, ClinGen allele CA445164487.

ClinVar aggregate classification (germline): Conflicting classifications of pathogenicity. Review status: criteria provided, conflicting classifications (1 of 4 stars). 3 submissions from 3 submitters: Uncertain significance (1); Likely benign (2). Last evaluated 2025-11-26.

Conditions:
Hereditary cancer-predisposing syndrome. Also called: Hereditary Cancer Syndrome; Hereditary neoplastic syndrome; Neoplastic Syndromes, Hereditary; Tumor predisposition. Identifiers: Orphanet 140162, MedGen C0027672, MeSH D009386, MONDO:0015356.

Submissions (3):

Labcorp Genetics (formerly Invitae), Labcorp
Classification: Likely benign. Last evaluated: 2025-11-26. Review status: criteria provided, single submitter. Criteria: Invitae Variant Classification Sherloc (09022015). Collection method: clinical testing. Allele origin: germline.

Sema4
Classification: Uncertain significance for Hereditary cancer-predisposing syndrome. Last evaluated: 2021-10-21. Review status: criteria provided, single submitter. Criteria: Sema4 Curation Guidelines. Collection method: curation. Allele origin: germline.
Comment: The MSH3 c.2469A>G (p.K823=) variant has not been reported in the literature to our knowledge. It was not observed in the large and broad cohorts of the Genome Aggregation Database (PMID: 32461654), nor in ClinVar. In silico tools suggest that the variant might affect RNA splicing, though these predictions have not been confirmed by functional studies. The evidence is insufficient to meet ACMG/AMP criteria for classifying the variant as benign or pathogenic. Thus, the clinical significance of this variant is currently uncertain.

Ambry Genetics
Classification: Likely benign for Hereditary cancer-predisposing syndrome. Last evaluated: 2021-05-26. Review status: criteria provided, single submitter. Criteria: Ambry Variant Classification Scheme 2023. Collection method: clinical testing. Allele origin: germline.